The following is an entry in ClinVar:

NM_000059.4(BRCA2):c.5344del (p.Gln1782fs)

Gene: BRCA2 (BRCA2 DNA repair associated; plus strand). Cytogenetic location: 13q13.1.
Variant type: Deletion.
Coding change: c.5344del on transcript NM_000059.4 (MANE Select); coding-DNA position 5344, one base deleted (C; older notation c.5344delC).
Protein change: p.Gln1782fs; shifts the reading frame from glutamine 1782.
Molecular consequence: frameshift variant.
Genome position (GRCh38, 1-based): chr13:32,339,699, C deleted. VCF-style (leftmost placement, unchanged base first): chr13-32339698-TC-T. GRCh37 (hg19) VCF-style: chr13-32913835-TC-T.
Other names: c.5344delC (NM_000059.3); c.5344del (NM_000059.3); short protein forms Q1782fs.
Identifiers: ClinVar variation 545775 (VCV000545775.3), dbSNP rs1555284182, ClinGen allele CA658823649.

ClinVar aggregate classification (germline): Pathogenic (1 of 4 stars; one submission).

Submission:

GeneDx
Classification: Pathogenic. Last evaluated: 2023-02-15. Review status: criteria provided, single submitter. Criteria: GeneDx Variant Classification Process June 2021. Collection method: clinical testing. Allele origin: germline. Affected: yes.
Comment: Frameshift variant predicted to result in protein truncation or nonsense mediated decay in a gene for which loss of function is a known mechanism of disease; Not observed at significant frequency in large population cohorts (gnomAD); Truncating variants in this gene are considered pathogenic by a well-established clinical consortium and/or database; Has not been previously published as pathogenic or benign to our knowledge; Also known as 5572delC